The following is an entry in ClinVar:

NM_002878.4(RAD51D):c.156C>G (p.Ala52=)

Genes: RAD51D (RAD51 paralog D; minus strand), RAD51L3-RFFL (RAD51L3-RFFL readthrough; minus strand). Cytogenetic location: 17q12.
Variant type: single nucleotide variant.
Coding change: c.156C>G on transcript NM_002878.4 (MANE Select); coding-DNA position 156, C replaced by G.
Protein change: p.Ala52=; no amino-acid change (alanine 52 retained).
Molecular consequence: synonymous variant. On other transcripts: intron variant (2).
Genome position (GRCh38, 1-based): chr17:35,118,608, G>C on the plus strand (C>G on the coding strand, the complement: RAD51D is on the minus strand). VCF-style: chr17-35118608-G-C. GRCh37 (hg19) VCF-style: chr17-33445627-G-C.
Other names: c.144+503C>G (NM_133629.3, NM_001142571.2).
Identifiers: ClinVar variation 2036270 (VCV002036270.6), dbSNP rs2142474782, ClinGen allele CA2580093227.
Genomic context (GRCh38, chr17:35,118,608, plus strand): 5'-GTAGAGATCAGCGCCATTCACGGGGAAAGCCGAGAACTGAGCCAGCAGCACCCGCCTCAG[G>C]GCAACCAGGGCCTGCCAAAGGGCCCCAGACTGCTCAGCAACAAATTGCCCGTAGAAGCTG-3'
Protein context (NP_002869.3, residues 42-62): KCGLSYKALV[Ala52=]LRRVLLAQFS

ClinVar aggregate classification (germline): Benign/Likely benign. Review status: criteria provided, multiple submitters, no conflicts (2 of 4 stars). 3 submissions from 3 submitters: Benign (1); Likely benign (2). Last evaluated 2025-12-15.

Conditions:
Hereditary cancer-predisposing syndrome. Also called: Neoplastic Syndromes, Hereditary; Tumor predisposition; Hereditary Cancer Syndrome; Hereditary neoplastic syndrome. Identifiers: Orphanet 140162, MedGen C0027672, MeSH D009386, MONDO:0015356.
Breast-ovarian cancer, familial, susceptibility to, 4. Identifiers: Orphanet 145, MedGen C3280345, MONDO:0013669, OMIM 614291.

Submissions (3):

Ambry Genetics
Classification: Likely benign for Hereditary cancer-predisposing syndrome. Last evaluated: 2025-12-15. Review status: criteria provided, single submitter. Criteria: Ambry Variant Classification Scheme 2023. Collection method: clinical testing. Allele origin: germline.

Myriad Genetics, Inc.
Classification: Benign for Breast-ovarian cancer, familial, susceptibility to, 4. Last evaluated: 2025-02-20. Review status: criteria provided, single submitter. Criteria: Myriad Autosomal Dominant, Autosomal Recessive and X-Linked Classification Criteria (2023). Collection method: clinical testing. Allele origin: unknown.
Comment: This variant is considered benign. This variant is a silent/synonymous amino acid change and it is not expected to impact splicing.

Labcorp Genetics (formerly Invitae), Labcorp
Classification: Likely benign for Breast-ovarian cancer, familial, susceptibility to, 4. Last evaluated: 2022-10-20. Review status: criteria provided, single submitter. Criteria: Invitae Variant Classification Sherloc (09022015). Collection method: clinical testing. Allele origin: germline.